The following is an entry in ClinVar:

ClinVar aggregate classification (germline): Uncertain significance (1 of 4 stars; one submission).

Allele frequency attached by ClinVar (database versions not stated): gnomAD exomes below 0.00001.
gnomAD v4.1: 3 of 1,613,302 alleles (0.00019%); highest among the groups gnomAD compares: South Asian, 0.0011%; no homozygotes.

Submission:

Labcorp Genetics (formerly Invitae), Labcorp
Classification: Uncertain significance. Last evaluated: 2023-08-04. Review status: criteria provided, single submitter. Criteria: Invitae Variant Classification Sherloc (09022015). Collection method: clinical testing. Allele origin: germline.
Comment: In summary, the available evidence is currently insufficient to determine the role of this variant in disease. Therefore, it has been classified as a Variant of Uncertain Significance. An algorithm developed to predict the effect of missense changes on protein structure and function (PolyPhen-2) suggests that this variant is likely to be disruptive. ClinVar contains an entry for this variant (Variation ID: 1361608). This variant has not been reported in the literature in individuals affected with FN1-related conditions. This variant is not present in population databases (gnomAD no frequency). This sequence change replaces glycine, which is neutral and non-polar, with aspartic acid, which is acidic and polar, at codon 1422 of the FN1 protein (p.Gly1422Asp).

NM_212482.4(FN1):c.4265G>A (p.Gly1422Asp)

Gene: FN1 (fibronectin 1; minus strand). Cytogenetic location: 2q35.
Variant type: single nucleotide variant.
Coding change: c.4265G>A on transcript NM_212482.4 (MANE Select); coding-DNA position 4265, G replaced by A.
Protein change: p.Gly1422Asp; replaces glycine 1422 with aspartic acid.
Molecular consequence: missense variant.
Genome position (GRCh38, 1-based): chr2:215,388,289, C>T on the plus strand (G>A on the coding strand, the complement: FN1 is on the minus strand). VCF-style: chr2-215388289-C-T. GRCh37 (hg19) VCF-style: chr2-216253012-C-T.
Other names: c.4265G>A, p.Gly1422Asp (NM_001306129.2, NM_001306130.2, NM_001365517.2 and 3 more transcripts); c.3992G>A, p.Gly1331Asp (NM_001306131.2, NM_001306132.2, NM_001365518.2 and 7 more transcripts); short protein forms G1422D, G1331D.
Identifiers: ClinVar variation 1361608 (VCV001361608.8), dbSNP rs1205335918, ClinGen allele CA350482656.